The following is an entry in ClinVar:

ClinVar aggregate classification (germline): Uncertain significance (1 of 4 stars; one submission).

Conditions:
Gingival disorder. Also called: Gingival disease. Identifiers: MedGen C0017563, MONDO:0002021.

Allele frequency attached by ClinVar (database versions not stated): gnomAD exomes below 0.00001.
gnomAD v4.1: 1 of 1,614,162 alleles (0.000062%); highest among the groups gnomAD compares: Non-Finnish European, 0.000085%; no homozygotes.

Submission:

Labcorp Genetics (formerly Invitae), Labcorp
Classification: Uncertain significance for Gingival disorder. Last evaluated: 2022-09-28. Review status: criteria provided, single submitter. Criteria: Invitae Variant Classification Sherloc (09022015). Collection method: clinical testing. Allele origin: germline.
Comment: In summary, the available evidence is currently insufficient to determine the role of this variant in disease. Therefore, it has been classified as a Variant of Uncertain Significance. Algorithms developed to predict the effect of missense changes on protein structure and function are either unavailable or do not agree on the potential impact of this missense change (SIFT: "Deleterious"; PolyPhen-2: "Probably Damaging"; Align-GVGD: "Class C0"). This variant has not been reported in the literature in individuals affected with FPR1-related conditions. This variant is not present in population databases (gnomAD no frequency). This sequence change replaces isoleucine, which is neutral and non-polar, with methionine, which is neutral and non-polar, at codon 48 of the FPR1 protein (p.Ile48Met).

NM_002029.4(FPR1):c.144C>G (p.Ile48Met)

Gene: FPR1 (formyl peptide receptor 1; minus strand). Cytogenetic location: 19q13.41.
Variant type: single nucleotide variant.
Coding change: c.144C>G on transcript NM_002029.4 (MANE Select); coding-DNA position 144, C replaced by G.
Protein change: p.Ile48Met; replaces isoleucine 48 with methionine.
Molecular consequence: missense variant.
Genome position (GRCh38, 1-based): chr19:51,746,851, G>C on the plus strand (C>G on the coding strand, the complement: FPR1 is on the minus strand). VCF-style: chr19-51746851-G-C. GRCh37 (hg19) VCF-style: chr19-52250104-G-C.
Other names: c.144C>G, p.Ile48Met (NM_001193306.2); short protein forms I48M.
Identifiers: ClinVar variation 1720614 (VCV001720614.5), dbSNP rs2513921149, ClinGen allele CA407120626.